The following is an entry in ClinVar:

ClinVar aggregate classification (germline): Uncertain significance. Review status: criteria provided, multiple submitters, no conflicts (2 of 4 stars). 2 submissions from 2 submitters: Uncertain significance (2). Last evaluated 2024-08-27.

Conditions:
Inborn genetic diseases. Identifiers: MedGen C0950123, MeSH D030342.
Infantile-onset X-linked spinal muscular atrophy. Also called: ARTHROGRYPOSIS, X-LINKED, TYPE I; Spinal muscular atrophy, X-linked 2; AMC, DISTAL, X-LINKED; Spinal Muscular Atrophy, X-Linked Infantile; SPINAL MUSCULAR ATROPHY, X-LINKED LETHAL INFANTILE. Identifiers: Orphanet 1145, MedGen C1844934, MONDO:0010532, OMIM 301830.

Allele frequency attached by ClinVar (database versions not stated): gnomAD exomes below 0.00001; TOPMed 0.00003; gnomAD 0.00005; 1000 Genomes Project 30x 0.00021; 1000 Genomes Project 0.00026.
gnomAD v4.1: 6 of 1,203,517 alleles (0.0005%); highest among the groups gnomAD compares: African/African-American, 0.01%; no homozygotes.

Submissions (2):

Ambry Genetics
Classification: Uncertain significance for Inborn genetic diseases. Last evaluated: 2024-08-27. Review status: criteria provided, single submitter. Criteria: Ambry Variant Classification Scheme 2023. Collection method: clinical testing. Allele origin: germline.

Labcorp Genetics (formerly Invitae), Labcorp
Classification: Uncertain significance for Infantile-onset X-linked spinal muscular atrophy. Last evaluated: 2022-12-14. Review status: criteria provided, single submitter. Criteria: Invitae Variant Classification Sherloc (09022015). Collection method: clinical testing. Allele origin: germline.
Comment: In summary, the available evidence is currently insufficient to determine the role of this variant in disease. Therefore, it has been classified as a Variant of Uncertain Significance. Algorithms developed to predict the effect of missense changes on protein structure and function (SIFT, PolyPhen-2, Align-GVGD) all suggest that this variant is likely to be tolerated. This variant has not been reported in the literature in individuals affected with UBA1-related conditions. This variant is present in population databases (rs200383898, gnomAD 0.006%). This sequence change replaces glutamine, which is neutral and polar, with lysine, which is basic and polar, at codon 538 of the UBA1 protein (p.Gln538Lys).

NM_003334.4(UBA1):c.1612C>A (p.Gln538Lys)

Gene: UBA1 (ubiquitin like modifier activating enzyme 1; plus strand). Cytogenetic location: Xp11.3.
Variant type: single nucleotide variant.
Coding change: c.1612C>A on transcript NM_003334.4 (MANE Select); coding-DNA position 1612, C replaced by A.
Protein change: p.Gln538Lys; replaces glutamine 538 with lysine.
Molecular consequence: missense variant.
Genome position (GRCh38, 1-based): chrX:47,205,984, C>A. VCF-style: chrX-47205984-C-A. GRCh37 (hg19) VCF-style: chrX-47065383-C-A.
Other names: c.1612C>A, p.Gln538Lys (NM_153280.3); c.1612C>A (NM_003334.3); short protein forms Q538K.
Identifiers: ClinVar variation 1927570 (VCV001927570.6), dbSNP rs200383898, ClinGen allele CA10395974.